The following is an entry in ClinVar:

NM_001291303.3(FAT4):c.10224A>G (p.Leu3408=)

Gene: FAT4 (FAT atypical cadherin 4; plus strand). Cytogenetic location: 4q28.1.
Variant type: single nucleotide variant.
Coding change: c.10224A>G on transcript NM_001291303.3 (MANE Select); coding-DNA position 10224, A replaced by G.
Protein change: p.Leu3408=; no amino-acid change (leucine 3408 retained).
Molecular consequence: synonymous variant.
Genome position (GRCh38, 1-based): chr4:125,451,234, A>G. VCF-style: chr4-125451234-A-G. GRCh37 (hg19) VCF-style: chr4-126372389-A-G.
Other names: c.10224A>G, p.Leu3408= (NM_001291285.3); c.10218A>G, p.Leu3406= (NM_024582.6).
Identifiers: ClinVar variation 721389 (VCV000721389.13), dbSNP rs761771089, ClinGen allele CA3073652.

ClinVar aggregate classification (germline): Likely benign. Review status: criteria provided, multiple submitters, no conflicts (2 of 4 stars). 5 submissions from 5 submitters: Likely benign (5). Last evaluated 2026-06-01.

Conditions:
FAT4-related disorder. Also called: FAT4-related condition.

Allele frequency attached by ClinVar (database versions not stated): gnomAD 0.00005; gnomAD exomes 0.00016 and 0.00034; TOPMed 0.00016; ExAC 0.00025.
gnomAD v4.1: 110 of 1,614,090 alleles (0.0068%); highest among the groups gnomAD compares: Admixed American, 0.16%; no homozygotes.

Submissions (5):

CeGaT Center for Human Genetics Tuebingen
Classification: Likely benign. Last evaluated: 2026-06-01. Review status: criteria provided, single submitter. Criteria: CeGaT Center For Human Genetics Tuebingen Variant Classification Criteria Version 2. Collection method: clinical testing. Allele origin: germline. Affected: yes. Observed: 2 variant alleles.
Comment: FAT4: BP4, BP7

Women's Health and Genetics/Laboratory Corporation of America, LabCorp
Classification: Likely benign. Last evaluated: 2026-03-09. Review status: criteria provided, single submitter. Criteria: LabCorp Variant Classification Summary - May 2015. Collection method: clinical testing. Allele origin: germline.

Labcorp Genetics (formerly Invitae), Labcorp
Classification: Likely benign. Last evaluated: 2025-12-29. Review status: criteria provided, single submitter. Criteria: Invitae Variant Classification Sherloc (09022015). Collection method: clinical testing. Allele origin: germline.

PreventionGenetics, part of Exact Sciences
Classification: Likely benign for FAT4-related condition. Last evaluated: 2024-10-31. Review status: criteria provided, single submitter. Criteria: ACMG Guidelines, 2015. Collection method: clinical testing. Allele origin: germline.
Comment: This variant is classified as likely benign based on ACMG/AMP sequence variant interpretation guidelines (Richards et al. 2015 PMID: 25741868, with internal and published modifications).

Blueprint Genetics
Classification: Likely benign. Last evaluated: 2024-06-26. Review status: criteria provided, single submitter. Criteria: ACMG Guidelines, 2015. Collection method: clinical testing. Allele origin: germline.